The following is an entry in ClinVar:

NM_007194.4(CHEK2):c.410G>T (p.Arg137Leu)

Gene: CHEK2 (checkpoint kinase 2; minus strand). Cytogenetic location: 22q12.1.
Variant type: single nucleotide variant.
Coding change: c.410G>T on transcript NM_007194.4 (MANE Select); coding-DNA position 410, G replaced by T.
Protein change: p.Arg137Leu; replaces arginine 137 with leucine.
Molecular consequence: missense variant.
Genome position (GRCh38, 1-based): chr22:28,725,277, C>A on the plus strand (G>T on the coding strand, the complement: CHEK2 is on the minus strand). VCF-style: chr22-28725277-C-A. GRCh37 (hg19) VCF-style: chr22-29121265-C-A.
Other names: c.539G>T, p.Arg180Leu (NM_001005735.3); c.-368G>T (NM_001257387.3); c.410G>T, p.Arg137Leu (NM_001349956.3, NM_145862.3); short protein forms R180L, R137L.
Identifiers: ClinVar variation 947558 (VCV000947558.10), dbSNP rs368570187, ClinGen allele CA411107973.

ClinVar aggregate classification (germline): Uncertain significance (1 of 4 stars; one submission).

Conditions:
Familial cancer of breast. Also called: Hereditary breast cancer; hereditary breast carcinoma; BREAST CANCER, FAMILIAL. Identifiers: Orphanet 227535, MedGen C0346153, MONDO:0016419, OMIM 114480. Disease mechanism: loss of function.

Submission:

Labcorp Genetics (formerly Invitae), Labcorp
Classification: Uncertain significance for Familial cancer of breast. Last evaluated: 2019-04-22. Review status: criteria provided, single submitter. Criteria: Invitae Variant Classification Sherloc (09022015). Collection method: clinical testing. Allele origin: germline.
Comment: This sequence change replaces arginine with leucine at codon 137 of the CHEK2 protein (p.Arg137Leu). The arginine residue is moderately conserved and there is a moderate physicochemical difference between arginine and leucine. This variant is not present in population databases (ExAC no frequency). This variant has not been reported in the literature in individuals with CHEK2-related conditions. Algorithms developed to predict the effect of missense changes on protein structure and function are either unavailable or do not agree on the potential impact of this missense change (SIFT: "Deleterious"; PolyPhen-2: "Benign"; Align-GVGD: "Class C25"). In summary, the available evidence is currently insufficient to determine the role of this variant in disease. Therefore, it has been classified as a Variant of Uncertain Significance.